The following is an entry in ClinVar:

ClinVar aggregate classification (germline): Uncertain significance. Review status: criteria provided, multiple submitters, no conflicts (2 of 4 stars). 2 submissions from 2 submitters: Uncertain significance (2). Last evaluated 2026-08-28.

Conditions:
Hereditary cancer-predisposing syndrome. Also called: Hereditary Cancer Syndrome; Tumor predisposition; Neoplastic Syndromes, Hereditary; Hereditary neoplastic syndrome. Identifiers: Orphanet 140162, MedGen C0027672, MeSH D009386, MONDO:0015356.
Parathyroid carcinoma (PRTC). Also called: CDC73-Related Parathyroid Carcinoma; Parathyroid gland carcinoma. Identifiers: Orphanet 143, MedGen C0687150, MONDO:0012004, OMIM 608266, HP:0006780.

Submissions (2):

Ambry Genetics
Classification: Uncertain significance for Hereditary cancer-predisposing syndrome. Last evaluated: 2026-08-28. Review status: criteria provided, single submitter. Criteria: Ambry Variant Classification Scheme 2023. Collection method: clinical testing. Allele origin: germline.
Comment: The p.P269S variant (also known as c.805C>T), located in coding exon 8 of the CDC73 gene, results from a C to T substitution at nucleotide position 805. The proline at codon 269 is replaced by serine, an amino acid with similar properties. This amino acid position is conserved. In addition, this alteration is predicted to be tolerated by in silico analysis. Based on the available evidence, the clinical significance of this variant remains unclear.

Labcorp Genetics (formerly Invitae), Labcorp
Classification: Uncertain significance for Parathyroid carcinoma. Last evaluated: 2023-03-07. Review status: criteria provided, single submitter. Criteria: Invitae Variant Classification Sherloc (09022015). Collection method: clinical testing. Allele origin: germline.
Comment: In summary, the available evidence is currently insufficient to determine the role of this variant in disease. Therefore, it has been classified as a Variant of Uncertain Significance. Advanced modeling of protein sequence and biophysical properties (such as structural, functional, and spatial information, amino acid conservation, physicochemical variation, residue mobility, and thermodynamic stability) performed at Invitae indicates that this missense variant is not expected to disrupt CDC73 protein function. ClinVar contains an entry for this variant (Variation ID: 1479721). This variant has not been reported in the literature in individuals affected with CDC73-related conditions. This variant is not present in population databases (gnomAD no frequency). This sequence change replaces proline, which is neutral and non-polar, with serine, which is neutral and polar, at codon 269 of the CDC73 protein (p.Pro269Ser).

NM_024529.5(CDC73):c.805C>T (p.Pro269Ser)

Gene: CDC73 (cell division cycle 73; plus strand). Cytogenetic location: 1q31.2.
Variant type: single nucleotide variant.
Coding change: c.805C>T on transcript NM_024529.5 (MANE Select); coding-DNA position 805, C replaced by T.
Protein change: p.Pro269Ser; replaces proline 269 with serine.
Molecular consequence: missense variant.
Genome position (GRCh38, 1-based): chr1:193,147,942, C>T. VCF-style: chr1-193147942-C-T. GRCh37 (hg19) VCF-style: chr1-193117072-C-T.
Other names: c.805C>T (NM_024529.4); short protein forms P269S.
Identifiers: ClinVar variation 1479721 (VCV001479721.7), dbSNP rs1572158663, ClinGen allele CA343964156.